The following is an entry in ClinVar:

ClinVar aggregate classification (germline): Uncertain significance (1 of 4 stars; one submission).

Submission:

Ambry Genetics
Classification: Uncertain significance. Last evaluated: 2022-10-09. Review status: criteria provided, single submitter. Criteria: Ambry Variant Classification Scheme 2023. Collection method: clinical testing. Allele origin: germline.
Comment: The p.T18N variant (also known as c.53C>A), located in coding exon 1 of the PRKDC gene, results from a C to A substitution at nucleotide position 53. The threonine at codon 18 is replaced by asparagine, an amino acid with similar properties. This amino acid position is conserved. In addition, this alteration is predicted to be tolerated by in silico analysis. Since supporting evidence is limited at this time, the clinical significance of this alteration remains unclear.

NM_006904.7(PRKDC):c.53C>A (p.Thr18Asn)

Genes: PRKDC (protein kinase, DNA-activated, catalytic subunit; minus strand), LOC129929030 (ATAC-STARR-seq lymphoblastoid silent region 19177; plus strand). Cytogenetic location: 8q11.21.
Variant type: single nucleotide variant.
Coding change: c.53C>A on transcript NM_006904.7 (MANE Select); coding-DNA position 53, C replaced by A.
Protein change: p.Thr18Asn; replaces threonine 18 with asparagine.
Molecular consequence: missense variant.
Genome position (GRCh38, 1-based): chr8:47,960,074, G>T on the plus strand (C>A on the coding strand, the complement: PRKDC is on the minus strand). VCF-style: chr8-47960074-G-T. GRCh37 (hg19) VCF-style: chr8-48872634-G-T.
Other names: c.53C>A, p.Thr18Asn (NM_001081640.2); short protein forms T18N.
Identifiers: ClinVar variation 1747290 (VCV001747290.2), dbSNP rs767871840, ClinGen allele CA371142978.